The following is an entry in ClinVar:

ClinVar aggregate classification (germline): Pathogenic (1 of 4 stars; one submission).

Conditions:
Glycogen storage disease type III (GSD3). Also called: Cori disease; FORBES DISEASE. Identifiers: Orphanet 366, MedGen C0017922, MONDO:0009291, OMIM 232400.

Submission:

Labcorp Genetics (formerly Invitae), Labcorp
Classification: Pathogenic for Glycogen storage disease type III. Last evaluated: 2025-01-15. Review status: criteria provided, single submitter. Criteria: Invitae Variant Classification Sherloc (09022015). Collection method: clinical testing. Allele origin: germline.
Comment: This sequence change affects an acceptor splice site in intron 31 of the AGL gene. It is expected to disrupt RNA splicing. Variants that disrupt the donor or acceptor splice site typically lead to a loss of protein function (PMID: 16199547), and loss-of-function variants in AGL are known to be pathogenic (PMID: 19299494). This variant is not present in population databases (gnomAD no frequency). Disruption of this splice site has been observed in individual(s) with glycogen storage disease (PMID: 27243974). In at least one individual the data is consistent with being in trans (on the opposite chromosome) from a pathogenic variant. ClinVar contains an entry for this variant (Variation ID: 1968105). Algorithms developed to predict the effect of sequence changes on RNA splicing suggest that this variant may disrupt the consensus splice site. For these reasons, this variant has been classified as Pathogenic.

Literature cited by the submitters: PubMed 16199547; PubMed 19299494; PubMed 27243974.

NM_000642.3(AGL):c.4260-2A>C

Gene: AGL (amylo-alpha-1,6-glucosidase and 4-alpha-glucanotransferase; plus strand). Cytogenetic location: 1p21.2.
Variant type: single nucleotide variant.
Coding change: c.4260-2A>C on transcript NM_000642.3 (MANE Select); the canonical splice acceptor site of the intron before coding-DNA position 4260, A replaced by C.
Molecular consequence: splice acceptor variant.
Genome position (GRCh38, 1-based): chr1:99,916,408, A>C. VCF-style: chr1-99916408-A-C. GRCh37 (hg19) VCF-style: chr1-100381964-A-C.
Other names: c.4260-2A>C (NM_000643.3, NM_000644.3, NM_001425325.1 and 1 more transcripts); c.4212-2A>C (NM_000646.3); c.4239-2A>C (NM_001425326.1); c.4059-2A>C (NM_001425327.1); c.4056-2A>C (NM_001425328.1); c.3921-2A>C (NM_001425329.1); c.3882-2A>C (NM_001425332.1).
Identifiers: ClinVar variation 1968105 (VCV001968105.5), dbSNP rs2523860788, ClinGen allele CA341342152.
Genomic context (GRCh38, chr1:99,916,408, plus strand): 5'-TAATGCTTTTTACATAATATCTGATCATCTTTTATTTAACTTAAATTTCAATCATTTTGC[A>C]GTGATATGGTTTACTGTGGAATTTATGACAATGCATTAGACAATGACAACTACAATCTTG-3'